The following is an entry in ClinVar:

NM_031308.4(EPPK1):c.6463G>A (p.Ala2155Thr)

Gene: EPPK1 (epiplakin 1; minus strand). Cytogenetic location: 8q24.3.
Variant type: single nucleotide variant.
Coding change: c.6463G>A on transcript NM_031308.4 (MANE Select); coding-DNA position 6463, G replaced by A.
Protein change: p.Ala2155Thr; replaces alanine 2155 with threonine.
Molecular consequence: missense variant.
Genome position (GRCh38, 1-based): chr8:143,866,791, C>T on the plus strand (G>A on the coding strand, the complement: EPPK1 is on the minus strand). VCF-style: chr8-143866791-C-T. GRCh37 (hg19) VCF-style: chr8-144940959-C-T.
Other names: short protein forms A2155T.
Identifiers: ClinVar variation 3053737 (VCV003053737.2), dbSNP rs148527079, ClinGen allele CA4921745.

ClinVar aggregate classification (germline): Likely benign (0 of 4 stars; one submission).

Conditions:
EPPK1-related disorder. Also called: EPPK1-related condition.

Allele frequency attached by ClinVar (database versions not stated): ESP Exome Variant Server 0.00040; ExAC 0.00890; 1000 Genomes Project 0.01518; 1000 Genomes Project 30x 0.01530.
gnomAD v4.1: 5,337 of 1,613,476 alleles (0.33%); highest among the groups gnomAD compares: Admixed American, 6.9%; 192 homozygotes.

Submission:

PreventionGenetics, part of Exact Sciences
Classification: Likely benign for EPPK1-related condition. Last evaluated: 2021-04-23. Review status: no assertion criteria provided. Collection method: clinical testing. Allele origin: germline.
Comment: This variant is classified as likely benign based on ACMG/AMP sequence variant interpretation guidelines (Richards et al. 2015 PMID: 25741868, with internal and published modifications).